The following is an entry in ClinVar:

ClinVar aggregate classification (germline): Uncertain significance (1 of 4 stars; one submission).

Conditions:
Charcot-Marie-Tooth disease type 2. Also called: Charcot-Marie-Tooth type 2. Identifiers: Orphanet 64746, MedGen C0270914, MONDO:0018993.

Allele frequency attached by ClinVar (database versions not stated): gnomAD exomes below 0.00001; ExAC 0.00001.
gnomAD v4.1: 1 of 1,614,132 alleles (0.000062%); highest among the groups gnomAD compares: Admixed American, 0.0017%; no homozygotes.

Submission:

Labcorp Genetics (formerly Invitae), Labcorp
Classification: Uncertain significance for Charcot-Marie-Tooth disease type 2. Last evaluated: 2024-10-24. Review status: criteria provided, single submitter. Criteria: Invitae Variant Classification Sherloc (09022015). Collection method: clinical testing. Allele origin: germline.
Comment: This sequence change replaces proline, which is neutral and non-polar, with threonine, which is neutral and polar, at codon 62 of the AARS protein (p.Pro62Thr). This variant is present in population databases (rs779066703, gnomAD 0.003%). This variant has not been reported in the literature in individuals affected with AARS-related conditions. ClinVar contains an entry for this variant (Variation ID: 1682328). An algorithm developed to predict the effect of missense changes on protein structure and function (PolyPhen-2) suggests that this variant is likely to be disruptive. In summary, the available evidence is currently insufficient to determine the role of this variant in disease. Therefore, it has been classified as a Variant of Uncertain Significance.

NM_001605.3(AARS1):c.184C>A (p.Pro62Thr)

Gene: AARS1 (alanyl-tRNA synthetase 1; minus strand). Cytogenetic location: 16q22.1.
Variant type: single nucleotide variant.
Coding change: c.184C>A on transcript NM_001605.3 (MANE Select); coding-DNA position 184, C replaced by A.
Protein change: p.Pro62Thr; replaces proline 62 with threonine.
Molecular consequence: missense variant.
Genome position (GRCh38, 1-based): chr16:70,277,115, G>T on the plus strand (C>A on the coding strand, the complement: AARS1 is on the minus strand). VCF-style: chr16-70277115-G-T. GRCh37 (hg19) VCF-style: chr16-70311018-G-T.
Other names: short protein forms P62T.
Identifiers: ClinVar variation 1682328 (VCV001682328.6), dbSNP rs779066703, ClinGen allele CA8141186.
Genomic context (GRCh38, chr16:70,277,115, plus strand): 5'-GTTTGCCCCCAGCCCGGATGCACTTCTGGGTATTGGCAGCTCTGCTCAGCTTTGCCATGG[G>T]GTGAGATGGGTCAATTGTGTTCAGGAAAATGGGTTTAAACTAAAAGAGAAGGACAGCAGT-3'
Protein context (NP_001596.2, residues 52-72): IFLNTIDPSH[Pro62Thr]MAKLSRAANT